The following is an entry in ClinVar:

NM_003331.5(TYK2):c.583G>A (p.Ala195Thr)

Gene: TYK2 (tyrosine kinase 2; minus strand). Cytogenetic location: 19p13.2.
Variant type: single nucleotide variant.
Coding change: c.583G>A on transcript NM_003331.5 (MANE Select); coding-DNA position 583, G replaced by A.
Protein change: p.Ala195Thr; replaces alanine 195 with threonine.
Molecular consequence: missense variant.
Genome position (GRCh38, 1-based): chr19:10,366,463, C>T on the plus strand (G>A on the coding strand, the complement: TYK2 is on the minus strand). VCF-style: chr19-10366463-C-T. GRCh37 (hg19) VCF-style: chr19-10477139-C-T.
Other names: c.583G>A (LRG_121t1); short protein forms A195T.
Identifiers: ClinVar variation 636873 (VCV000636873.9), dbSNP rs201107041, ClinGen allele CA9193692.

ClinVar aggregate classification (germline): Uncertain significance. Review status: criteria provided, multiple submitters, no conflicts (2 of 4 stars). 2 submissions from 2 submitters: Uncertain significance (2). Last evaluated 2025-06-09.

Conditions:
Immunodeficiency 35 (IMD35). Also called: HIES WITH ATYPICAL MYCOBACTERIOSIS, AUTOSOMAL RECESSIVE; HYPER-IgE SYNDROME WITH ATYPICAL MYCOBACTERIOSIS, AUTOSOMAL RECESSIVE; TYK2 DEFICIENCY; Susceptibility to infection due to TYK2 deficiency. Identifiers: Orphanet 331226, MedGen C1969086, MONDO:0012682, OMIM 611521.

Allele frequency attached by ClinVar (database versions not stated): TOPMed 0.00002; ExAC 0.00007.
gnomAD v4.1: 55 of 1,613,952 alleles (0.0034%); highest among the groups gnomAD compares: South Asian, 0.031%; no homozygotes.

Submissions (2):

Labcorp Genetics (formerly Invitae), Labcorp
Classification: Uncertain significance for Immunodeficiency 35. Last evaluated: 2025-06-09. Review status: criteria provided, single submitter. Criteria: Invitae Variant Classification Sherloc (09022015). Collection method: clinical testing. Allele origin: germline.
Comment: This sequence change replaces alanine, which is neutral and non-polar, with threonine, which is neutral and polar, at codon 195 of the TYK2 protein (p.Ala195Thr). This variant is present in population databases (rs201107041, gnomAD 0.03%). This variant has not been reported in the literature in individuals affected with TYK2-related conditions. ClinVar contains an entry for this variant (Variation ID: 636873). Invitae Evidence Modeling of protein sequence and biophysical properties (such as structural, functional, and spatial information, amino acid conservation, physicochemical variation, residue mobility, and thermodynamic stability) indicates that this missense variant is not expected to disrupt TYK2 protein function with a negative predictive value of 80%. In summary, the available evidence is currently insufficient to determine the role of this variant in disease. Therefore, it has been classified as a Variant of Uncertain Significance.

Blueprint Genetics
Classification: Uncertain significance. Last evaluated: 2022-09-15. Review status: criteria provided, single submitter. Criteria: ACMG Guidelines, 2015. Collection method: clinical testing. Allele origin: germline.